The following is an entry in ClinVar:

NM_001243925.2(MAPKAPK3):c.79G>C (p.Ala27Pro)

Gene: MAPKAPK3 (MAPK activated protein kinase 3; plus strand). Cytogenetic location: 3p21.2.
Variant type: single nucleotide variant.
Coding change: c.79G>C on transcript NM_001243925.2 (MANE Select); coding-DNA position 79, G replaced by C.
Protein change: p.Ala27Pro; replaces alanine 27 with proline.
Molecular consequence: missense variant.
Genome position (GRCh38, 1-based): chr3:50,617,644, G>C. VCF-style: chr3-50617644-G-C. GRCh37 (hg19) VCF-style: chr3-50655075-G-C.
Other names: c.79G>C, p.Ala27Pro (NM_001243926.2, NM_004635.5); short protein forms A27P.
Identifiers: ClinVar variation 4780349 (VCV004780349.1).
Genomic context (GRCh38, chr3:50,617,644, plus strand): 5'-GAGGAGCAGGGGGGCCCTGTGCCCCCGCCAGTTGCACCCGGCGGACCCGGCTTGGGCGGT[G>C]CTCCGGGGGGGCGGCGGGAGCCCAAGAAGTACGCAGTGACCGACGACTACCAGTTGTCCA-3'
Protein context (NP_001230854.1, residues 17-37): VAPGGPGLGG[Ala27Pro]PGGRREPKKY

ClinVar aggregate classification (germline): Uncertain significance (1 of 4 stars; one submission).

gnomAD v4.1: 3 of 1,609,652 alleles (0.00019%); highest among the groups gnomAD compares: South Asian, 0.0033%; no homozygotes.

Submission:

Labcorp Genetics (formerly Invitae), Labcorp
Classification: Uncertain significance. Last evaluated: 2025-10-18. Review status: criteria provided, single submitter. Criteria: Invitae Variant Classification Sherloc (09022015). Collection method: clinical testing. Allele origin: germline.
Comment: This sequence change replaces alanine, which is neutral and non-polar, with proline, which is neutral and non-polar, at codon 27 of the MAPKAPK3 protein (p.Ala27Pro). This variant is not present in population databases (gnomAD no frequency). This variant has not been reported in the literature in individuals affected with MAPKAPK3-related conditions. An algorithm developed to predict the effect of missense changes on protein structure and function (PolyPhen-2) suggests that this variant is likely to be tolerated. In summary, the available evidence is currently insufficient to determine the role of this variant in disease. Therefore, it has been classified as a Variant of Uncertain Significance.